The following is an entry in ClinVar:

NM_000171.4(GLRA1):c.1234G>A (p.Ala412Thr)

Gene: GLRA1 (glycine receptor alpha 1; minus strand). Cytogenetic location: 5q33.1.
Variant type: single nucleotide variant.
Coding change: c.1234G>A on transcript NM_000171.4 (MANE Select); coding-DNA position 1234, G replaced by A.
Protein change: p.Ala412Thr; replaces alanine 412 with threonine.
Molecular consequence: missense variant.
Genome position (GRCh38, 1-based): chr5:151,822,789, C>T on the plus strand (G>A on the coding strand, the complement: GLRA1 is on the minus strand). VCF-style: chr5-151822789-C-T. GRCh37 (hg19) VCF-style: chr5-151202350-C-T.
Other names: c.1258G>A, p.Ala420Thr (NM_001146040.2); c.985G>A, p.Ala329Thr (NM_001292000.2); short protein forms A329T, A412T, A420T.
Identifiers: ClinVar variation 1025877 (VCV001025877.8), dbSNP rs1763171970, ClinGen allele CA361849866.

ClinVar aggregate classification (germline): Uncertain significance (1 of 4 stars; one submission).

Conditions:
Hereditary hyperekplexia. Identifiers: Orphanet 3197, MedGen C4084968, MONDO:0021022.

Allele frequency attached by ClinVar (database versions not stated): gnomAD exomes below 0.00001.
gnomAD v4.1: 1 of 1,613,984 alleles (0.000062%); highest among the groups gnomAD compares: Non-Finnish European, 0.000085%; no homozygotes.

Submission:

Labcorp Genetics (formerly Invitae), Labcorp
Classification: Uncertain significance for Hereditary hyperekplexia. Last evaluated: 2024-07-15. Review status: criteria provided, single submitter. Criteria: Invitae Variant Classification Sherloc (09022015). Collection method: clinical testing. Allele origin: germline.
Comment: This sequence change replaces alanine, which is neutral and non-polar, with threonine, which is neutral and polar, at codon 412 of the GLRA1 protein (p.Ala412Thr). This variant is not present in population databases (gnomAD no frequency). This variant has not been reported in the literature in individuals affected with GLRA1-related conditions. ClinVar contains an entry for this variant (Variation ID: 1025877). Advanced modeling of protein sequence and biophysical properties (such as structural, functional, and spatial information, amino acid conservation, physicochemical variation, residue mobility, and thermodynamic stability) performed at Invitae indicates that this missense variant is expected to disrupt GLRA1 protein function with a positive predictive value of 95%. In summary, the available evidence is currently insufficient to determine the role of this variant in disease. Therefore, it has been classified as a Variant of Uncertain Significance.